The following is an entry in ClinVar:

ClinVar aggregate classification (germline): Uncertain significance (1 of 4 stars; one submission).

Conditions:
Thrombophilia due to protein S deficiency, autosomal recessive (THPH6). Identifiers: Orphanet 743, MedGen C3281092, MONDO:0013791, OMIM 614514. Disease mechanism: loss of function.

Allele frequency attached by ClinVar (database versions not stated): gnomAD exomes below 0.00001.
gnomAD v4.1: 1 of 1,611,060 alleles (0.000062%); highest among the groups gnomAD compares: Non-Finnish European, 0.000085%; no homozygotes.

Submission:

Labcorp Genetics (formerly Invitae), Labcorp
Classification: Uncertain significance for Thrombophilia due to protein S deficiency, autosomal recessive. Last evaluated: 2019-12-14. Review status: criteria provided, single submitter. Criteria: Invitae Variant Classification Sherloc (09022015). Collection method: clinical testing. Allele origin: germline.
Comment: This variant has been observed in individual(s) with protein S deficiency (PMID: 11776305). This variant is also known as p.W342R in the literature. In summary, the available evidence is currently insufficient to determine the role of this variant in disease. Therefore, it has been classified as a Variant of Uncertain Significance. Algorithms developed to predict the effect of missense changes on protein structure and function (SIFT, PolyPhen-2, Align-GVGD) all suggest that this variant is likely to be disruptive, but these predictions have not been confirmed by published functional studies and their clinical significance is uncertain. This variant is not present in population databases (ExAC no frequency). This sequence change replaces tryptophan with arginine at codon 383 of the PROS1 protein (p.Trp383Arg). The tryptophan residue is highly conserved and there is a moderate physicochemical difference between tryptophan and arginine.

Literature cited by the submitters: PubMed 11776305.

NM_000313.4(PROS1):c.1147T>C (p.Trp383Arg)

Gene: PROS1 (protein S; minus strand). Cytogenetic location: 3q11.1.
Variant type: single nucleotide variant.
Coding change: c.1147T>C on transcript NM_000313.4 (MANE Select); coding-DNA position 1147, T replaced by C.
Protein change: p.Trp383Arg; replaces tryptophan 383 with arginine.
Molecular consequence: missense variant.
Genome position (GRCh38, 1-based): chr3:93,892,941, A>G on the plus strand (T>C on the coding strand, the complement: PROS1 is on the minus strand). VCF-style: chr3-93892941-A-G. GRCh37 (hg19) VCF-style: chr3-93611785-A-G.
Other names: c.1243T>C, p.Trp415Arg (NM_001314077.2); short protein forms W383R, W415R.
Identifiers: ClinVar variation 848569 (VCV000848569.6), dbSNP rs1708453757, ClinGen allele CA353671742.